The following is an entry in ClinVar:

NM_000179.3(MSH6):c.833T>G (p.Ile278Arg)

Gene: MSH6 (mutS homolog 6; plus strand). Cytogenetic location: 2p16.3.
Variant type: single nucleotide variant.
Coding change: c.833T>G on transcript NM_000179.3 (MANE Select); coding-DNA position 833, T replaced by G.
Protein change: p.Ile278Arg; replaces isoleucine 278 with arginine.
Molecular consequence: missense variant. On other transcripts: 5 prime UTR variant (9), non-coding transcript variant (4), intron variant (1).
Genome position (GRCh38, 1-based): chr2:47,798,816, T>G. VCF-style: chr2-47798816-T-G. GRCh37 (hg19) VCF-style: chr2-48025955-T-G.
Other names: c.536T>G, p.Ile179Arg (NM_001406825.1, NM_001406827.1, NM_001406828.1 and 10 more transcripts); c.665T>G, p.Ile222Arg (NM_001406826.1); c.-74T>G (NM_001406829.1, NM_001281493.2, NM_001281494.2 and 6 more transcripts); c.628-1850T>G (NM_001407362.1); c.443T>G, p.Ile148Arg (NM_001281492.2); c.929T>G, p.Ile310Arg (NM_001406795.1, NM_001406802.1); c.833T>G, p.Ile278Arg (NM_001406796.1, NM_001406798.1, NM_001406800.1 and 4 more transcripts); c.308T>G, p.Ile103Arg (NM_001406799.1, NM_001406806.1, NM_001406807.1); and 2 more; short protein forms I103R, I310R, I148R, I280R, I179R, I222R, I278R, I252R.
Identifiers: ClinVar variation 5024896 (VCV005024896.1).

ClinVar aggregate classification (germline): Uncertain significance (1 of 4 stars; one submission).

Conditions:
Hereditary cancer-predisposing syndrome. Also called: Neoplastic Syndromes, Hereditary; Tumor predisposition; Hereditary neoplastic syndrome; Hereditary Cancer Syndrome. Identifiers: Orphanet 140162, MedGen C0027672, MeSH D009386, MONDO:0015356.

Submission:

Ambry Genetics
Classification: Uncertain significance for Hereditary cancer-predisposing syndrome. Last evaluated: 2026-07-06. Review status: criteria provided, single submitter. Criteria: Ambry Variant Classification Scheme 2023. Collection method: clinical testing. Allele origin: germline.
Comment: The p.I278R variant (also known as c.833T>G), located in coding exon 4 of the MSH6 gene, results from a T to G substitution at nucleotide position 833. The isoleucine at codon 278 is replaced by arginine, an amino acid with similar properties. This amino acid position is conserved. In addition, this alteration is predicted to be tolerated by in silico analysis. Based on the available evidence, the clinical significance of this variant remains unclear.